The following is an entry in ClinVar:

ClinVar aggregate classification (germline): Uncertain significance (1 of 4 stars; one submission).

Conditions:
Progressive microcephaly-seizures-cortical blindness-developmental delay syndrome. Also called: Seizures, cortical blindness, and microcephaly syndrome. Identifiers: Orphanet 477814, MedGen C5567650, MONDO:0014714, OMIM 616632.
Autosomal dominant nonsyndromic hearing loss 1. Also called: KONIGSMARK SYNDROME; DEAFNESS, AUTOSOMAL DOMINANT 1, WITH OR WITHOUT THROMBOCYTOPENIA. Identifiers: Orphanet 90635, MedGen C1852282, MONDO:0007424, OMIM 124900.

Allele frequency attached by ClinVar (database versions not stated): TOPMed below 0.00001.

Submission:

Labcorp Genetics (formerly Invitae), Labcorp
Classification: Uncertain significance for Progressive microcephaly-seizures-cortical blindness-developmental delay syndrome; Autosomal dominant nonsyndromic hearing loss 1. Last evaluated: 2025-12-15. Review status: criteria provided, single submitter. Criteria: Invitae Variant Classification Sherloc (09022015). Collection method: clinical testing. Allele origin: germline.
Comment: This sequence change replaces valine, which is neutral and non-polar, with isoleucine, which is neutral and non-polar, at codon 1073 of the DIAPH1 protein (p.Val1073Ile). This variant is not present in population databases (gnomAD no frequency). This variant has not been reported in the literature in individuals affected with DIAPH1-related conditions. ClinVar contains an entry for this variant (Variation ID: 2937664). An algorithm developed to predict the effect of missense changes on protein structure and function outputs the following: PolyPhen-2: "Benign". The isoleucine amino acid residue is found in multiple mammalian species, which suggests that this missense change does not adversely affect protein function. In summary, the available evidence is currently insufficient to determine the role of this variant in disease. Therefore, it has been classified as a Variant of Uncertain Significance.

NM_005219.5(DIAPH1):c.3217G>A (p.Val1073Ile)

Gene: DIAPH1 (diaphanous related formin 1; minus strand). Cytogenetic location: 5q31.3.
Variant type: single nucleotide variant.
Coding change: c.3217G>A on transcript NM_005219.5 (MANE Select); coding-DNA position 3217, G replaced by A.
Protein change: p.Val1073Ile; replaces valine 1073 with isoleucine.
Molecular consequence: missense variant.
Genome position (GRCh38, 1-based): chr5:141,527,629, C>T on the plus strand (G>A on the coding strand, the complement: DIAPH1 is on the minus strand). VCF-style: chr5-141527629-C-T. GRCh37 (hg19) VCF-style: chr5-140907196-C-T.
Other names: c.3190G>A, p.Val1064Ile (NM_001079812.3); c.3217G>A, p.Val1073Ile (NM_001314007.2); short protein forms V1064I, V1073I.
Identifiers: ClinVar variation 2937664 (VCV002937664.3), dbSNP rs2099887572, ClinGen allele CA361581234.